The following is an entry in ClinVar:

ClinVar aggregate classification (germline): Uncertain significance (1 of 4 stars; one submission).

Submission:

GeneDx
Classification: Uncertain significance. Last evaluated: 2020-11-05. Review status: criteria provided, single submitter. Criteria: GeneDx Variant Classification Process June 2021. Collection method: clinical testing. Allele origin: germline. Affected: yes.
Comment: Not observed in large population cohorts (Lek et al., 2016); In silico analysis supports that this missense variant has a deleterious effect on protein structure/function; Has not been previously published as pathogenic or benign to our knowledge

NM_001134407.3(GRIN2A):c.4096C>T (p.Pro1366Ser)

Gene: GRIN2A (glutamate ionotropic receptor NMDA type subunit 2A; minus strand). Cytogenetic location: 16p13.2.
Variant type: single nucleotide variant.
Coding change: c.4096C>T on transcript NM_001134407.3 (MANE Select); coding-DNA position 4096, C replaced by T.
Protein change: p.Pro1366Ser; replaces proline 1366 with serine.
Molecular consequence: missense variant. On other transcripts: intron variant (1).
Genome position (GRCh38, 1-based): chr16:9,763,448, G>A on the plus strand (C>T on the coding strand, the complement: GRIN2A is on the minus strand). VCF-style: chr16-9763448-G-A. GRCh37 (hg19) VCF-style: chr16-9857305-G-A.
Other names: c.4096C>T, p.Pro1366Ser (NM_000833.5); c.3773-20C>T (NM_001134408.2); short protein forms P1366S.
Identifiers: ClinVar variation 392394 (VCV000392394.4), dbSNP rs766598240, ClinGen allele CA16607504.